The following is an entry in ClinVar:

ClinVar aggregate classification (germline): Likely pathogenic (1 of 4 stars; one submission).

Conditions:
LRP5-related primary osteoporosis. Identifiers: MONDO:0044675, Orphanet 498481, MedGen C5567241.

Submission:

Molecular Genetics, Royal Melbourne Hospital
Classification: Likely pathogenic for LRP5-related primary osteoporosis. Last evaluated: 2022-03-03. Review status: criteria provided, single submitter. Criteria: ACMG Guidelines, 2015. Collection method: clinical testing. Allele origin: germline. Affected: yes.
Comment: This sequence change in LRP5 is a frameshift variant predicted to cause a premature stop codon, p.(Gly436Alafs*7), in biologically-relevant-exon 6/23 leading to nonsense mediated decay in a gene in which loss-of-function is an established disease mechanism (PMID: 11719191, 15824851). This variant is absent from gnomAD v2.1 and v3.1. To our knowledge, this variant has not been reported in the literature in any individuals with LRP5-related disease. Based on the classification scheme RMH Modified ACMG Guidelines v1.5.1, this variant is classified as LIKELY PATHOGENIC. Following criteria are met: PVS1, PM2_Supporting.

Literature cited by the submitters: PubMed 11719191; PubMed 15824851.

NM_002335.4(LRP5):c.1307del (p.Gly436fs)

Gene: LRP5 (LDL receptor related protein 5; plus strand). Cytogenetic location: 11q13.2.
Variant type: Deletion.
Coding change: c.1307del on transcript NM_002335.4 (MANE Select); coding-DNA position 1307, one base deleted (G; older notation c.1307delG).
Protein change: p.Gly436fs; shifts the reading frame from glycine 436.
Molecular consequence: frameshift variant. On other transcripts: 5 prime UTR variant (1).
Genome position (GRCh38, 1-based): chr11:68,386,607, G deleted; the last of 3 consecutive G bases (chr11:68,386,605-68,386,607); deleting any one gives the same sequence. VCF-style (leftmost placement, unchanged base first): chr11-68386604-CG-C. GRCh37 (hg19) VCF-style: chr11-68154072-CG-C.
Other names: c.-459del (NM_001291902.2); c.1307delG (NM_002335.4); short protein forms G436fs.
Identifiers: ClinVar variation 3068574 (VCV003068574.1), dbSNP rs2496599704, ClinGen allele CA2573051251.
Genomic context (GRCh38, chr11:68,386,604, plus strand): 5'-TCAACGACCCCGATGGCATCGCGGTCGACTGGGTGGCCCGAAACCTCTACTGGACCGACA[CG>C]GGCACGGACCGCATCGAGGTGACGCGCCTCAACGGCACCTCCCGCAAGATCCTGGTGTCG-3'